The following is an entry in ClinVar:

ClinVar aggregate classification (germline): Pathogenic. Review status: criteria provided, multiple submitters, no conflicts (2 of 4 stars). 2 submissions from 2 submitters: Pathogenic (2). Last evaluated 2024-04-06.

Conditions:
Alport syndrome. Also called: Hemorrhagic familial nephritis; Hemorrhagic hereditary nephritis; Congenital hereditary hematuria. Identifiers: Orphanet 63, MedGen C1567741, MONDO:0018965.

Allele frequency attached by ClinVar (database versions not stated): gnomAD exomes 0.00001; ExAC 0.00002.
gnomAD v4.1: 3 of 1,610,280 alleles (0.00019%); highest among the groups gnomAD compares: Non-Finnish European, 0.00025%; no homozygotes.

Submissions (2):

Myriad Genetics, Inc.
Classification: Pathogenic for Alport syndrome. Last evaluated: 2024-04-06. Review status: criteria provided, single submitter. Criteria: Myriad Autosomal Dominant, Autosomal Recessive and X-Linked Classification Criteria (2023). Collection method: clinical testing. Allele origin: unknown.
Comment: NM_000092.4(COL4A4):c.105T>G(Y35*) is expected to be pathogenic in the context of Alport syndrome, COL4A4-related. This variant is predicted to lead to an abnormal or absent protein product due to the creation of a premature termination codon in COL4A4, a gene where loss-of-function variants are known to be pathogenic. Please note: this variant was assessed in the context of healthy population screening.

Labcorp Genetics (formerly Invitae), Labcorp
Classification: Pathogenic. Last evaluated: 2020-11-26. Review status: criteria provided, single submitter. Criteria: Invitae Variant Classification Sherloc (09022015). Collection method: clinical testing. Allele origin: germline.
Comment: This variant has not been reported in the literature in individuals with COL4A4-related conditions. For these reasons, this variant has been classified as Pathogenic. Algorithms developed to predict the effect of sequence changes on RNA splicing suggest that this variant may create or strengthen a splice site, but this prediction has not been confirmed by published transcriptional studies. This variant is present in population databases (rs756672670, ExAC 0.005%). This sequence change creates a premature translational stop signal (p.Tyr35*) in the COL4A4 gene. It is expected to result in an absent or disrupted protein product. Loss-of-function variants in COL4A4 are known to be pathogenic (PMID: 21196518, 24854265, 25307543).

Literature cited by the submitters: PubMed 21196518 (cited by Labcorp Genetics (formerly Invitae), Labcorp); PubMed 24854265 (cited by Labcorp Genetics (formerly Invitae), Labcorp); PubMed 25307543 (cited by Labcorp Genetics (formerly Invitae), Labcorp).

NM_000092.5(COL4A4):c.105T>G (p.Tyr35Ter)

Gene: COL4A4 (collagen type IV alpha 4 chain; minus strand). Cytogenetic location: 2q36.3.
Variant type: single nucleotide variant.
Coding change: c.105T>G on transcript NM_000092.5 (MANE Select); coding-DNA position 105, T replaced by G.
Protein change: p.Tyr35Ter; replaces tyrosine 35 with a stop codon.
Molecular consequence: nonsense.
Genome position (GRCh38, 1-based): chr2:227,144,525, A>C on the plus strand (T>G on the coding strand, the complement: COL4A4 is on the minus strand). VCF-style: chr2-227144525-A-C. GRCh37 (hg19) VCF-style: chr2-228009241-A-C.
Other names: short protein forms Y35*.
Identifiers: ClinVar variation 1399009 (VCV001399009.7), dbSNP rs756672670, ClinGen allele CA2145805.
Genomic context (GRCh38, chr2:227,144,525, plus strand): 5'-TTCTATAAAGTGAATTTTCACAACGCAACCAGAGCTAGTGAATGTACTTACCCCATATAC[A>C]TATTGTACAGAAAAGAGAATGAGTATAAGTGACCTACAGAAAAACAAAAACGCAGATTAA-3'